The following is an entry in ClinVar:

ClinVar aggregate classification (germline): Pathogenic (1 of 4 stars; one submission).

Conditions:
Bardet-Biedl syndrome (BBS). Identifiers: Orphanet 110, MedGen C0752166, MONDO:0015229.

Submission:

Labcorp Genetics (formerly Invitae), Labcorp
Classification: Pathogenic for Bardet-Biedl syndrome. Last evaluated: 2023-10-17. Review status: criteria provided, single submitter. Criteria: Invitae Variant Classification Sherloc (09022015). Collection method: clinical testing. Allele origin: germline.
Comment: This sequence change creates a premature translational stop signal (p.Gln38*) in the TTC8 gene. It is expected to result in an absent or disrupted protein product. Loss-of-function variants in TTC8 are known to be pathogenic (PMID: 16308660, 16877420, 19797195, 21052717, 30886724). This variant is not present in population databases (gnomAD no frequency). This variant has not been reported in the literature in individuals affected with TTC8-related conditions. For these reasons, this variant has been classified as Pathogenic.

Literature cited by the submitters: PubMed 16308660; PubMed 16877420; PubMed 19797195; PubMed 21052717; PubMed 30886724.

NM_144596.4(TTC8):c.112C>T (p.Gln38Ter)

Gene: TTC8 (tetratricopeptide repeat domain 8; plus strand). Cytogenetic location: 14q31.3.
Variant type: single nucleotide variant.
Coding change: c.112C>T on transcript NM_144596.4 (MANE Select); coding-DNA position 112, C replaced by T.
Protein change: p.Gln38Ter; replaces glutamine 38 with a stop codon.
Molecular consequence: nonsense. On other transcripts: 5 prime UTR variant (2), non-coding transcript variant (1).
Genome position (GRCh38, 1-based): chr14:88,824,819, C>T. VCF-style: chr14-88824819-C-T. GRCh37 (hg19) VCF-style: chr14-89291163-C-T.
Other names: c.112C>T, p.Gln38Ter (NM_001288781.1, NM_001366535.2, NM_001366536.2 and 2 more transcripts); c.-451C>T (NM_001288782.1); c.-546C>T (NM_001288783.1); short protein forms Q38*.
Identifiers: ClinVar variation 2724823 (VCV002724823.3), dbSNP rs2546126719, ClinGen allele CA390568037.